The following is an entry in ClinVar:

ClinVar aggregate classification (germline): Uncertain significance (1 of 4 stars; one submission).

Allele frequency attached by ClinVar (database versions not stated): gnomAD exomes below 0.00001; TOPMed below 0.00001.
gnomAD v4.1: 2 of 1,596,648 alleles (0.00013%); highest among the groups gnomAD compares: Admixed American, 0.0033%; no homozygotes.

Submission:

Labcorp Genetics (formerly Invitae), Labcorp
Classification: Uncertain significance. Last evaluated: 2022-08-14. Review status: criteria provided, single submitter. Criteria: Invitae Variant Classification Sherloc (09022015). Collection method: clinical testing. Allele origin: germline.
Comment: In summary, the available evidence is currently insufficient to determine the role of this variant in disease. Therefore, it has been classified as a Variant of Uncertain Significance. Algorithms developed to predict the effect of missense changes on protein structure and function are either unavailable or do not agree on the potential impact of this missense change (SIFT: "Tolerated"; PolyPhen-2: "Probably Damaging"; Align-GVGD: "Class C0"). This variant has not been reported in the literature in individuals affected with PCDH15-related conditions. This variant is present in population databases (no rsID available, gnomAD 0.003%). This sequence change replaces phenylalanine, which is neutral and non-polar, with isoleucine, which is neutral and non-polar, at codon 204 of the PCDH15 protein (p.Phe204Ile).

NM_001384140.1(PCDH15):c.610T>A (p.Phe204Ile)

Gene: PCDH15 (protocadherin related 15; minus strand). Cytogenetic location: 10q21.1.
Variant type: single nucleotide variant.
Coding change: c.610T>A on transcript NM_001384140.1 (MANE Select); coding-DNA position 610, T replaced by A.
Protein change: p.Phe204Ile; replaces phenylalanine 204 with isoleucine.
Molecular consequence: missense variant. On other transcripts: intron variant (1).
Genome position (GRCh38, 1-based): chr10:54,329,691, A>T on the plus strand (T>A on the coding strand, the complement: PCDH15 is on the minus strand). VCF-style: chr10-54329691-A-T. GRCh37 (hg19) VCF-style: chr10-56089451-A-T.
Other names: c.625T>A, p.Phe209Ile (NM_001142763.2, NM_001142769.4, NM_001142771.2); c.610T>A, p.Phe204Ile (NM_001142764.2, NM_001142765.2, NM_001142766.2 and 7 more transcripts); c.544T>A, p.Phe182Ile (NM_001142768.2, NM_001142773.2, NM_001354404.2); c.595-12250T>A (NM_001142767.2); short protein forms F204I, F182I, F209I.
Identifiers: ClinVar variation 2146103 (VCV002146103.4), dbSNP rs1459547040, ClinGen allele CA376541323.
Genomic context (GRCh38, chr10:54,329,691, plus strand): 5'-CTTCATAGTTGAGCCTCTTCCTTAACACTATATTTCCAGTCAACATTAGGGGAATTTCAA[A>T]GGTGTCATTGGATGTCTGCAAATATTAAAGATACAGACTTCAGATTATTTGAATGTAAGA-3'
Protein context (NP_001371069.1, residues 194-214): NPDDPTSNDT[Phe204Ile]EIPLMLTGNI